The following is an entry in ClinVar:

NC_000001.10:g.(?_120254646)_(120254803_?)del

Gene: PHGDH (phosphoglycerate dehydrogenase; plus strand). Cytogenetic location: 1p12.
Variant type: Deletion.
Identifiers: ClinVar variation 3247778 (VCV003247778.1).

ClinVar aggregate classification (germline): Pathogenic (1 of 4 stars; one submission).

Conditions:
PHGDH deficiency. Identifiers: Orphanet 79351, MedGen C1866174, MONDO:0011152, OMIM 601815.

Submission:

Labcorp Genetics (formerly Invitae), Labcorp
Classification: Pathogenic for PHGDH deficiency. Last evaluated: 2023-05-01. Review status: criteria provided, single submitter. Criteria: Invitae Variant Classification Sherloc (09022015). Collection method: clinical testing. Allele origin: unknown.
Comment: For these reasons, this variant has been classified as Pathogenic. This variant has not been reported in the literature in individuals affected with PHGDH-related conditions. This variant is a gross deletion of the genomic region encompassing exon(s) 1 of the PHGDH gene, which includes the initiator codon. This deletion extends beyond the assayed region for this gene and therefore may encompass additional genes. It is expected to result in an absent or disrupted protein product. Loss-of-function variants in PHGDH are known to be pathogenic (PMID: 14645240, 24836451).

Literature cited by the submitters: PubMed 14645240; PubMed 24836451.